The following is an entry in ClinVar:

NM_000489.6(ATRX):c.5222G>A (p.Arg1741Lys)

Gene: ATRX (ATRX chromatin remodeler; minus strand). Cytogenetic location: Xq21.1.
Variant type: single nucleotide variant.
Coding change: c.5222G>A on transcript NM_000489.6 (MANE Select); coding-DNA position 5222, G replaced by A.
Protein change: p.Arg1741Lys; replaces arginine 1741 with lysine.
Molecular consequence: missense variant.
Genome position (GRCh38, 1-based): chrX:77,620,445, C>T on the plus strand (G>A on the coding strand, the complement: ATRX is on the minus strand). VCF-style: chrX-77620445-C-T. GRCh37 (hg19) VCF-style: chrX-76875913-C-T.
Other names: c.5108G>A, p.Arg1703Lys (NM_138270.5); short protein forms R1703K, R1741K.
Identifiers: ClinVar variation 1193149 (VCV001193149.13), dbSNP rs1448764008, ClinGen allele CA413701423.
Genomic context (GRCh38, chrX:77,620,445, plus strand): 5'-ATTAACTCACACTCAATTAGGTTATTTTGAAGTGGTGTTCCTGTTAAAATAATCCTCCTC[C>T]TTGATCGTATAGAATTCATAGCTTTAGAAACAGCAGATGCTTCATTTTTTAGAATATGGC-3'
Protein context (NP_000480.3, residues 1731-1751): VSKAMNSIRS[Arg1741Lys]RRIILTGTPL

ClinVar aggregate classification (germline): Conflicting classifications of pathogenicity. Review status: criteria provided, conflicting classifications (1 of 4 stars). 2 submissions from 2 submitters: Likely pathogenic (1); Uncertain significance (1). Last evaluated 2026-10-22.

Conditions:
ATRX-related disorder. Also called: ATRX-related condition.
Alpha thalassemia-X-linked intellectual disability syndrome (ATRX). Also called: X-linked alpha-thalassemia-mental retardation syndrome; ALPHA-THALASSEMIA/IMPAIRED INTELLECTUAL DEVELOPMENT SYNDROME, X-LINKED; ALPHA-THALASSEMIA/MENTAL RETARDATION SYNDROME, X-LINKED; ATR, NONDELETION TYPE; ATR-X syndrome; Alpha thalassemia mental retardation syndrome, nondeletion type, X-linked. Identifiers: Orphanet 847, MedGen C1845055, MONDO:0010519, OMIM 301040.

Allele frequency attached by ClinVar (database versions not stated): gnomAD exomes below 0.00001; TOPMed 0.00001; gnomAD 0.00001.
gnomAD v4.1: 3 of 1,206,758 alleles (0.00025%); highest among the groups gnomAD compares: Non-Finnish European, 0.00034%; no homozygotes.

Submissions (2):

GeneDx
Classification: Likely pathogenic. Last evaluated: 2026-10-22. Review status: criteria provided, single submitter. Criteria: GeneDx Variant Classification Process June 2021. Collection method: clinical testing. Allele origin: germline.
Comment: Not observed at significant frequency in large population cohorts (gnomAD); In silico analysis supports that this missense variant has a deleterious effect on protein structure/function; Has not been previously published as pathogenic or benign to our knowledge; This variant is associated with the following publications: (PMID: 18409179)

Labcorp Genetics (formerly Invitae), Labcorp
Classification: Uncertain significance for Alpha thalassemia-X-linked intellectual disability syndrome. Last evaluated: 2021-08-27. Review status: criteria provided, single submitter. Criteria: Invitae Variant Classification Sherloc (09022015). Collection method: clinical testing. Allele origin: germline.
Comment: This sequence change replaces arginine with lysine at codon 1741 of the ATRX protein (p.Arg1741Lys). The arginine residue is highly conserved and there is a small physicochemical difference between arginine and lysine. This variant is not present in population databases (ExAC no frequency). This variant has not been reported in the literature in individuals affected with ATRX-related conditions. Algorithms developed to predict the effect of missense changes on protein structure and function (SIFT, PolyPhen-2, Align-GVGD) all suggest that this variant is likely to be tolerated. In summary, the available evidence is currently insufficient to determine the role of this variant in disease. Therefore, it has been classified as a Variant of Uncertain Significance.